The following is an entry in ClinVar:

NM_004187.5(KDM5C):c.408G>C (p.Arg136=)

Gene: KDM5C (lysine demethylase 5C; minus strand). Cytogenetic location: Xp11.22.
Variant type: single nucleotide variant.
Coding change: c.408G>C on transcript NM_004187.5 (MANE Select); coding-DNA position 408, G replaced by C.
Protein change: p.Arg136=; no amino-acid change (arginine 136 retained).
Molecular consequence: synonymous variant. On other transcripts: non-coding transcript variant (3).
Genome position (GRCh38, 1-based): chrX:53,217,910, C>G on the plus strand (G>C on the coding strand, the complement: KDM5C is on the minus strand). VCF-style: chrX-53217910-C-G. GRCh37 (hg19) VCF-style: chrX-53247092-C-G.
Other names: c.207G>C, p.Arg69= (NM_001146702.2); c.408G>C, p.Arg136= (NM_001282622.3, NM_001353978.3, NM_001353979.2 and 3 more transcripts); c.408G>C (NM_004187.3).
Identifiers: ClinVar variation 1271775 (VCV001271775.12), dbSNP rs149293316, ClinGen allele CA10419681.

ClinVar aggregate classification (germline): Benign/Likely benign. Review status: criteria provided, multiple submitters, no conflicts (2 of 4 stars). 4 submissions from 4 submitters: Benign (2); Likely benign (1). 1 of the submissions does not count toward it. Last evaluated 2026-04-14.

Conditions:
KDM5C-related disorder. Also called: KDM5C-related condition.
Spastic paraplegia. Identifiers: MedGen C0037772, HP:0001258.

Allele frequency attached by ClinVar (database versions not stated): gnomAD 0.00075 and 0.00074; ESP Exome Variant Server 0.00095; 1000 Genomes Project 30x 0.00104; 1000 Genomes Project 0.00132; gnomAD exomes 0.00007 and 0.00022; ExAC 0.00029.
gnomAD v4.1: 173 of 1,208,667 alleles (0.014%); highest among the groups gnomAD compares: African/African-American, 0.27%; no homozygotes.

Submissions (4):

Women's Health and Genetics/Laboratory Corporation of America, LabCorp
Classification: Likely benign. Last evaluated: 2026-04-14. Review status: criteria provided, single submitter. Criteria: LabCorp Variant Classification Summary - May 2015. Collection method: clinical testing. Allele origin: germline.

Labcorp Genetics (formerly Invitae), Labcorp
Classification: Benign for Spastic paraplegia. Last evaluated: 2025-11-01. Review status: criteria provided, single submitter. Criteria: Invitae Variant Classification Sherloc (09022015). Collection method: clinical testing. Allele origin: germline.

GeneDx
Classification: Benign. Last evaluated: 2020-06-02. Review status: criteria provided, single submitter. Criteria: GeneDx Variant Classification Process June 2021. Collection method: clinical testing. Allele origin: germline. Affected: yes.

PreventionGenetics, part of Exact Sciences
Classification: Likely benign for KDM5C-related condition. Last evaluated: 2023-07-18. Review status: no assertion criteria provided. Collection method: clinical testing. Allele origin: germline. Not counted in ClinVar's aggregate classification.
Comment: This variant is classified as likely benign based on ACMG/AMP sequence variant interpretation guidelines (Richards et al. 2015 PMID: 25741868, with internal and published modifications).